The following is an entry in ClinVar:

NM_001080.3(ALDH5A1):c.967_968dup (p.Gln323fs)

Gene: ALDH5A1 (aldehyde dehydrogenase 5 family member A1; plus strand). Cytogenetic location: 6p22.3.
Variant type: Duplication.
Coding change: c.967_968dup on transcript NM_001080.3 (MANE Select); coding-DNA positions 967 to 968, 2 bases duplicated (CA; older notation c.967_968dupCA).
Protein change: p.Gln323fs; shifts the reading frame from glutamine 323.
Molecular consequence: frameshift variant.
Genome position (GRCh38, 1-based): chr6:24,520,497-24,520,498, CA duplicated. VCF-style (leftmost placement, unchanged base first): chr6-24520496-C-CCA. GRCh37 (hg19) VCF-style: chr6-24520724-C-CCA.
Other names: c.823_824dup, p.Gln275fs (NM_001368954.1); c.1006_1007dup, p.Gln336fs (NM_170740.1); short protein forms Q275fs, Q323fs, Q336fs.
Identifiers: ClinVar variation 1073790 (VCV001073790.12), dbSNP rs747336313, ClinGen allele CA3656806.

ClinVar aggregate classification (germline): Pathogenic. Review status: criteria provided, multiple submitters, no conflicts (2 of 4 stars). 3 submissions from 3 submitters: Pathogenic (3). Last evaluated 2025-07-03.

Conditions:
Succinate-semialdehyde dehydrogenase deficiency (SSADHD). Also called: SSADH DEFICIENCY; 4-HYDROXYBUTYRIC ACIDURIA; GABA METABOLIC DEFECT; Succinic Semialdehyde Dehydrogenase Deficiency. Identifiers: Orphanet 22, MedGen C0268631, MONDO:0010083, OMIM 271980.

Allele frequency attached by ClinVar (database versions not stated): gnomAD exomes below 0.00001; TOPMed below 0.00001; ExAC 0.00001; gnomAD 0.00001; ESP Exome Variant Server 0.00008.

Submissions (3):

GeneDx
Classification: Pathogenic. Last evaluated: 2025-07-03. Review status: criteria provided, single submitter. Criteria: GeneDx Variant Classification Process June 2021. Collection method: clinical testing. Allele origin: germline. Affected: yes.
Comment: Frameshift variant predicted to result in protein truncation or nonsense mediated decay in a gene for which loss of function is a known mechanism of disease; Not observed at significant frequency in large population cohorts (gnomAD); This variant is associated with the following publications: (PMID: 34015244, 37962671, 34882073, 32887777, 39011401)

Labcorp Genetics (formerly Invitae), Labcorp
Classification: Pathogenic for Succinate-semialdehyde dehydrogenase deficiency. Last evaluated: 2021-08-25. Review status: criteria provided, single submitter. Criteria: Invitae Variant Classification Sherloc (09022015). Collection method: clinical testing. Allele origin: germline.
Comment: For these reasons, this variant has been classified as Pathogenic. This variant has been observed in individual(s) with ALDH5A1-related conditions (PMID: 32887777). This variant is present in population databases (rs747336313, ExAC 0.001%). This sequence change creates a premature translational stop signal (p.Gln323Hisfs*4) in the ALDH5A1 gene. It is expected to result in an absent or disrupted protein product. Loss-of-function variants in ALDH5A1 are known to be pathogenic (PMID: 14635103).

Elsea Laboratory, Baylor College of Medicine
Classification: Pathogenic for Succinate-semialdehyde dehydrogenase deficiency. Last evaluated: 2021-03-08. Review status: criteria provided, single submitter. Criteria: Martin et al. (J Child Neurol. 2021). Collection method: curation. Allele origin: germline. Affected: yes.

Literature cited by the submitters: PubMed 32887777 (cited by Labcorp Genetics (formerly Invitae), Labcorp); PubMed 14635103 (cited by Labcorp Genetics (formerly Invitae), Labcorp).